The following is an entry in ClinVar:

ClinVar aggregate classification (germline): Conflicting classifications of pathogenicity. Review status: criteria provided, conflicting classifications (1 of 4 stars). 2 submissions from 2 submitters: Likely pathogenic (1); Uncertain significance (1). Last evaluated 2022-09-22.

Conditions:
Arterial calcification, generalized, of infancy, 1 (GACI1). Also called: Idiopathic Infantile Arterial Calcification. Identifiers: Orphanet 51608, MedGen C4551985, MONDO:0008817, OMIM 208000.

Allele frequency attached by ClinVar (database versions not stated): gnomAD exomes below 0.00001 and 0.00001; TOPMed below 0.00001; gnomAD 0.00001; ExAC 0.00002.
gnomAD v4.1: 3 of 1,613,982 alleles (0.00019%); highest among the groups gnomAD compares: African/African-American, 0.0013%; no homozygotes.

Submissions (2):

Labcorp Genetics (formerly Invitae), Labcorp
Classification: Uncertain significance. Last evaluated: 2022-09-22. Review status: criteria provided, single submitter. Criteria: Invitae Variant Classification Sherloc (09022015). Collection method: clinical testing. Allele origin: germline.
Comment: Advanced modeling of protein sequence and biophysical properties (such as structural, functional, and spatial information, amino acid conservation, physicochemical variation, residue mobility, and thermodynamic stability) performed at Invitae indicates that this missense variant is not expected to disrupt ENPP1 protein function. In summary, the available evidence is currently insufficient to determine the role of this variant in disease. Therefore, it has been classified as a Variant of Uncertain Significance. This sequence change replaces serine, which is neutral and polar, with asparagine, which is neutral and polar, at codon 590 of the ENPP1 protein (p.Ser590Asn). ClinVar contains an entry for this variant (Variation ID: 870410). This missense change has been observed in individual(s) with ENPP1-related conditions (PMID: 32573669). This variant is present in population databases (rs748798632, gnomAD 0.0009%).

Victorian Clinical Genetics Services, Murdoch Childrens Research Institute
Classification: Likely pathogenic for Arterial calcification, generalized, of infancy, 1. Last evaluated: 2019-01-05. Review status: criteria provided, single submitter. Criteria: ACMG Guidelines, 2015. Collection method: clinical testing. Allele origin: maternal. Affected: yes. Observed: 2 variant alleles.
Comment: A heterozygous missense variant, NM_006208.2(ENPP1):c.1769G>A, has been identified in exon 18 of 25 of the ENPP1 gene. The variant is predicted to result in a minor amino acid change from a Serine to an Asparagine at position 590 of the protein, NP_006199.2(ENPP1):p.(Ser590Asn). The Serine residue at this position has very high conservation (100 vertebrates, UCSC), and is located within the phosphodiesterase motif region of the protein (PDB). In silico predictions for this variant are consistently pathogenic (Polyphen, SIFT, CADD, Mutation Taster). The variant is present in the gnomAD database at a frequency of 0.0008% (2 heterozygotes, 0 homozygotes). This variant has not been previously reported in clinical cases. Based on the information available at the time of curation, this variant has been classified as LIKELY PATHOGENIC.

Literature cited by the submitters: PubMed 32573669 (cited by Labcorp Genetics (formerly Invitae), Labcorp).

NM_006208.3(ENPP1):c.1769G>A (p.Ser590Asn)

Gene: ENPP1 (ectonucleotide pyrophosphatase/phosphodiesterase 1; plus strand). Cytogenetic location: 6q23.2.
Variant type: single nucleotide variant.
Coding change: c.1769G>A on transcript NM_006208.3 (MANE Select); coding-DNA position 1769, G replaced by A.
Protein change: p.Ser590Asn; replaces serine 590 with asparagine.
Molecular consequence: missense variant.
Genome position (GRCh38, 1-based): chr6:131,877,037, G>A. VCF-style: chr6-131877037-G-A. GRCh37 (hg19) VCF-style: chr6-132198177-G-A.
Other names: short protein forms S590N.
Identifiers: ClinVar variation 870410 (VCV000870410.6), dbSNP rs748798632, ClinGen allele CA4002323.